The following is an entry in ClinVar:

ClinVar aggregate classification (germline): Benign/Likely benign. Review status: criteria provided, multiple submitters, no conflicts (2 of 4 stars). 3 submissions from 3 submitters: Benign (1); Likely benign (1). 1 of the submissions does not count toward it. Last evaluated 2025-12-29.

Conditions:
SOX9-related disorder. Also called: SOX9-related condition.
Camptomelic dysplasia (CMPD). Also called: Campomelic Dysplasia; CMPD1/SRA1. Identifiers: Orphanet 140, MedGen C1861922, MONDO:0007251, OMIM 114290.

Submissions (3):

Labcorp Genetics (formerly Invitae), Labcorp
Classification: Benign for Camptomelic dysplasia. Last evaluated: 2025-12-29. Review status: criteria provided, single submitter. Criteria: Invitae Variant Classification Sherloc (09022015). Collection method: clinical testing. Allele origin: germline.

ARUP Laboratories, Molecular Genetics and Genomics, ARUP Laboratories
Classification: Likely benign. Last evaluated: 2022-09-13. Review status: criteria provided, single submitter. Criteria: ARUP Molecular Germline Variant Investigation Process 2021. Collection method: clinical testing. Allele origin: germline.

PreventionGenetics, part of Exact Sciences
Classification: Likely benign for SOX9-related condition. Last evaluated: 2019-11-08. Review status: no assertion criteria provided. Collection method: clinical testing. Allele origin: germline. Not counted in ClinVar's aggregate classification.
Comment: This variant is classified as likely benign based on ACMG/AMP sequence variant interpretation guidelines (Richards et al. 2015 PMID: 25741868, with internal and published modifications).

NM_000346.4(SOX9):c.1023GCC[4] (p.Pro346dup)

Gene: SOX9 (SRY-box transcription factor 9; plus strand). Cytogenetic location: 17q24.3.
Variant type: Microsatellite.
Coding change: c.1023GCC[4] on transcript NM_000346.4 (MANE Select); four copies in a row of the 3-base unit GCC starting at c.1023; the reference has three copies in a row; one copy, 3 bases duplicated; also written c.1029_1031dup.
Protein change: p.Pro346dup; duplicates proline 346.
Molecular consequence: inframe insertion.
Genome position (GRCh38, 1-based): chr17:72,123,886-72,123,888, GCC duplicated; duplicating any 3 consecutive bases within chr17:72,123,879-72,123,888 gives the same sequence; the position shown is the placement nearest the transcript's 3' end. VCF-style (leftmost placement, unchanged base first): chr17-72123878-G-GCGC. GRCh37 (hg19) VCF-style: chr17-70120019-G-GCGC.
Other names: c.1029_1031dup (NM_000346.3).
Identifiers: ClinVar variation 324918 (VCV000324918.27), dbSNP rs776337541, ClinGen allele CA8739077.
Genomic context (GRCh38, chr17:72,123,878, plus strand): 5'-ATCAGCAGCACCGCGGCCACCCCGGCGAGCGCGGGCCACGTGTGGATGTCCAAGCAGCAG[G>GCGC]CGCCGCCGCCACCCCCGCAGCAGCCCCCACAGGCCCCGCCGGCCCCGCAGGCGCCCCCGC-3'